The following is an entry in ClinVar:

ClinVar aggregate classification (germline): Uncertain significance (3 of 4 stars; one submission).

Conditions:
Monogenic diabetes. Identifiers: Orphanet 183625, MedGen C3888631, MONDO:0015967.

Submission:

ClinGen Monogenic Diabetes Variant Curation Expert Panel
Classification: Uncertain significance for Monogenic diabetes. Last evaluated: 2023-07-30. Review status: reviewed by expert panel. Criteria: ClinGen Diabetes ACMG Specifications HNF1A V2.0.0. Collection method: curation. Allele origin: germline. Inheritance: Autosomal dominant inheritance.
Comment: The c.1481C>T variant in the HNF1 homeobox A gene, HNF1A, causes an amino acid change of alanine to valine at codon 494 (p.(Ala494Val)) of NM_000545.8. This variant is predicted to be deleterious by computational evidence, with a REVEL score of 0.8439, which is greater the MDEP VCEP threshold of 0.70 (PP3). This variant is absent in gnomAD v2.1.1 (PM2_Supporting). This variant was identified in an individual with diabetes; however, the MODY probability is unable to be calculated due to lack of clinical information (internal lab contributor). In summary, the c.1481C>T variant meets the criteria to be classified as a VUS for monogenic diabetes. ACMG/AMP criteria applied, as specified by the ClinGen MDEP (specification version 2.0.0, approved 1/11/2023): PP3, PM2_Supporting.

NM_000545.8(HNF1A):c.1481C>T (p.Ala494Val)

Gene: HNF1A (HNF1 homeobox A; plus strand). Cytogenetic location: 12q24.31.
Variant type: single nucleotide variant.
Coding change: c.1481C>T on transcript NM_000545.8 (MANE Select); coding-DNA position 1481, C replaced by T.
Protein change: p.Ala494Val; replaces alanine 494 with valine.
Molecular consequence: missense variant. On other transcripts: intron variant (1).
Genome position (GRCh38, 1-based): chr12:120,997,645, C>T. VCF-style: chr12-120997645-C-T. GRCh37 (hg19) VCF-style: chr12-121435448-C-T.
Other names: NM_001306179.2:c.1481C>T; c.1481C>T, p.Ala494Val (NM_001306179.2); c.1309+903C>T (NM_001406915.1); short protein forms A494V.
Identifiers: ClinVar variation 2574169 (VCV002574169.1), dbSNP rs2135848147, ClinGen allele CA386970356.